The following is an entry in ClinVar:

ClinVar aggregate classification (germline): Likely pathogenic. Review status: criteria provided, multiple submitters, no conflicts (2 of 4 stars). 2 submissions from 2 submitters: Likely pathogenic (2). Last evaluated 2026-04-02.

Conditions:
Familial cancer of breast. Also called: BREAST CANCER, FAMILIAL; Hereditary breast cancer; hereditary breast carcinoma. Identifiers: Orphanet 227535, MedGen C0346153, MONDO:0016419, OMIM 114480. Disease mechanism: loss of function.
Hereditary cancer-predisposing syndrome. Also called: Hereditary neoplastic syndrome; Neoplastic Syndromes, Hereditary; Tumor predisposition; Hereditary Cancer Syndrome. Identifiers: Orphanet 140162, MedGen C0027672, MeSH D009386, MONDO:0015356.

Submissions (2):

Ambry Genetics
Classification: Likely pathogenic for Hereditary cancer-predisposing syndrome. Last evaluated: 2026-04-02. Review status: criteria provided, single submitter. Criteria: Ambry Variant Classification Scheme 2023. Collection method: clinical testing. Allele origin: germline.
Comment: The c.3573_3576+11del15 variant results from a deletion of 15 nucleotides between positions c.3573 and c.3576+11 and involves the canonical splice donor site after coding exon 23 of the ATM gene. Variants that disrupt the canonical splice site are expected to result in aberrant splicing. In silico splice site analysis predicts that this alteration will weaken the native splice donor site. A resulting transcript is predicted to be in-frame and is not expected to trigger nonsense-mediated mRNAdecay; although, direct evidence is unavailable. However, the region predicted to be impacted is critical for protein function (Ambry internal data). RNA studies have demonstrated that this variant results in abnormal splicing in the set of samples tested (Ambry internal data). This variant is considered to be rare based on population cohorts in the Genome Aggregation Database (gnomAD). The canonical splice donor site is well conserved in available vertebrate species. As such, this alteration is classified as likely pathogenic.

Myriad Genetics, Inc.
Classification: Likely pathogenic for Familial cancer of breast. Last evaluated: 2025-10-10. Review status: criteria provided, single submitter. Criteria: Myriad Autosomal Dominant, Autosomal Recessive and X-Linked Classification Criteria (2023). Collection method: clinical testing. Allele origin: unknown.
Comment: This variant is considered likely pathogenic. This variant occurs within a consensus splice junction and is predicted to result in abnormal mRNA splicing of either an out-of-frame exon or an in-frame exon necessary for protein stability and/or normal function.

NM_000051.4(ATM):c.3573_3576+11del

Gene: ATM (ATM serine/threonine kinase; plus strand). Cytogenetic location: 11q22.3.
Variant type: Deletion.
Coding change: c.3573_3576+11del on transcript NM_000051.4 (MANE Select); coding-DNA position 3573 through 11 bases into the intron after coding-DNA position 3576, 15 bases deleted (AAAGGTATATATGGA).
Molecular consequence: splice donor variant.
Genome position (GRCh38, 1-based): chr11:108,281,165-108,281,179, AAAGGTATATATGGA deleted; deleting any 15 consecutive bases within chr11:108,281,164-108,281,179 gives the same sequence; the c. name uses the placement nearest the transcript's 3' end. VCF-style (leftmost placement, unchanged base first): chr11-108281163-AAAAAGGTATATATGG-A. GRCh37 (hg19) VCF-style: chr11-108151890-AAAAAGGTATATATGG-A.
Other names: c.3573_3576+11del (NM_001351834.2); c.3573_3576+11del15 (NM_000051.3).
Identifiers: ClinVar variation 4812973 (VCV004812973.2).
Genomic context (GRCh38, chr11:108,281,163, plus strand): 5'-CAGGCTTTGTTTGCCCTGTGTAAATCTGTGAAAGAGAATGGATTAGAACCTCACCTTGTG[AAAAAGGTATATATGG>A]ATGAGTATTTTATTAGAAGCTTCCTTAGGTCACTGTGAAATAATTTAAAAAGTTAAAGCT-3'